The following is an entry in ClinVar:

NM_206933.4(USH2A):c.13776G>C (p.Gln4592His)

Gene: USH2A (usherin; minus strand). Cytogenetic location: 1q41.
Variant type: single nucleotide variant.
Coding change: c.13776G>C on transcript NM_206933.4 (MANE Select); coding-DNA position 13776, G replaced by C.
Protein change: p.Gln4592His; replaces glutamine 4592 with histidine.
Molecular consequence: missense variant.
Genome position (GRCh38, 1-based): chr1:215,674,135, C>G on the plus strand (G>C on the coding strand, the complement: USH2A is on the minus strand). VCF-style: chr1-215674135-C-G. GRCh37 (hg19) VCF-style: chr1-215847477-C-G.
Other names: short protein forms Q4592H.
Identifiers: ClinVar variation 554572 (VCV000554572.4), dbSNP rs1350039852, ClinGen allele CA344843364.

ClinVar aggregate classification (germline): Uncertain significance. Review status: criteria provided, single submitter (1 of 4 stars). 2 submissions from 2 submitters: Uncertain significance (1). 1 of the submissions does not count toward it. Last evaluated 2024-03-18.

Conditions:
Retinitis pigmentosa 39 (RP39). Identifiers: Orphanet 791, MedGen C3151138, MONDO:0013436, OMIM 613809.
Usher syndrome type 2A. Also called: RETINAL DISEASE IN USHER SYNDROME TYPE IIA, MODIFIER OF; USHER SYNDROME, TYPE IIA. Identifiers: Orphanet 231178, Orphanet 886, MedGen C1848634, MONDO:0010169, OMIM 276901.

Allele frequency attached by ClinVar (database versions not stated): TOPMed 0.00001.
gnomAD v4.1: 5 of 1,614,110 alleles (0.00031%); highest among the groups gnomAD compares: Non-Finnish European, 0.00042%; no homozygotes.

Submissions (2):

Women's Health and Genetics/Laboratory Corporation of America, LabCorp
Classification: Uncertain significance. Last evaluated: 2024-03-18. Review status: criteria provided, single submitter. Criteria: LabCorp Variant Classification Summary - May 2015. Collection method: clinical testing. Allele origin: germline.
Comment: Variant summary: USH2A c.13776G>C (p.Gln4592His) results in a non-conservative amino acid change located in the Fibronectin type III domain (IPR003961) of the encoded protein sequence. Three of five in-silico tools predict a damaging effect of the variant on protein function. The variant was absent in 251212 control chromosomes (gnomAD). c.13776G>C has been reported in the literature in individuals affected with Usher Syndrome (e.g. Dreyer_2008, Dad_2016). These data indicate that the variant may be associated with disease. To our knowledge, no experimental evidence demonstrating an impact on protein function has been reported. The following publications have been ascertained in the context of this evaluation (PMID: 18273898, 27957503). ClinVar contains an entry for this variant (Variation ID: 554572). Based on the evidence outlined above, the variant was classified as VUS-possibly pathogenic.

Counsyl
Classification: Uncertain significance for Usher syndrome type 2A; Retinitis pigmentosa 39. Last evaluated: 2017-10-25. Review status: no assertion criteria provided. Collection method: clinical testing. Allele origin: unknown. Not counted in ClinVar's aggregate classification.

Literature cited by the submitters: PubMed 18273898 (cited by Women's Health and Genetics/Laboratory Corporation of America, LabCorp); PubMed 27957503 (cited by Women's Health and Genetics/Laboratory Corporation of America, LabCorp and Counsyl).